The following is an entry in ClinVar:

NM_000202.8(IDS):c.104A>T (p.Asp35Val)

Gene: IDS (iduronate 2-sulfatase; minus strand). Cytogenetic location: Xq28.
Variant type: single nucleotide variant.
Coding change: c.104A>T on transcript NM_000202.8 (MANE Select); coding-DNA position 104, A replaced by T.
Protein change: p.Asp35Val; replaces aspartic acid 35 with valine.
Molecular consequence: missense variant. On other transcripts: 5 prime UTR variant (1), non-coding transcript variant (1).
Genome position (GRCh38, 1-based): chrX:149,504,293, T>A on the plus strand (A>T on the coding strand, the complement: IDS is on the minus strand). VCF-style: chrX-149504293-T-A. GRCh37 (hg19) VCF-style: chrX-148585823-T-A.
Other names: c.-123A>T (NM_001166550.4); c.104A>T, p.Asp35Val (NM_006123.5); short protein forms D35V.
Identifiers: ClinVar variation 1697989 (VCV001697989.2), dbSNP rs144081417, ClinGen allele CA414527975.

ClinVar aggregate classification (germline): Uncertain significance (1 of 4 stars; one submission).

gnomAD v4.1: 2 of 1,206,566 alleles (0.00017%); highest among the groups gnomAD compares: South Asian, 0.0036%; no homozygotes.

Submission:

GeneDx
Classification: Uncertain significance. Last evaluated: 2022-07-25. Review status: criteria provided, single submitter. Criteria: GeneDx Variant Classification Process June 2021. Collection method: clinical testing. Allele origin: germline. Affected: yes.
Comment: Has not been previously published as pathogenic or benign to our knowledge; Not observed at a significant frequency in large population cohorts (gnomAD); In silico analysis supports that this missense variant has a deleterious effect on protein structure/function